The following is an entry in ClinVar:

ClinVar aggregate classification (germline): Uncertain significance (1 of 4 stars; one submission).

Submission:

GeneDx
Classification: Uncertain significance. Last evaluated: 2025-06-17. Review status: criteria provided, single submitter. Criteria: GeneDx Variant Classification Process June 2021. Collection method: clinical testing. Allele origin: germline. Affected: yes.
Comment: Not observed at significant frequency in large population cohorts (gnomAD); Frameshift variant predicted to result in abnormal protein length as the last 33 amino acid(s) are replaced with 81 different amino acid(s); Has not been previously published as pathogenic or benign to our knowledge

NM_006035.4(CDC42BPB):c.5036del (p.Pro1679fs)

Gene: CDC42BPB (CDC42 binding protein kinase beta; minus strand). Cytogenetic location: 14q32.32.
Variant type: Deletion.
Coding change: c.5036del on transcript NM_006035.4 (MANE Select); coding-DNA position 5036, one base deleted (C; older notation c.5036delC).
Protein change: p.Pro1679fs; shifts the reading frame from proline 1679.
Molecular consequence: frameshift variant.
Genome position (GRCh38, 1-based): chr14:102,933,812, G deleted on the plus strand (C on the coding strand, the reverse complement: CDC42BPB is on the minus strand); the first of 2 consecutive G bases (chr14:102,933,812-102,933,813); deleting either gives the same sequence. VCF-style (leftmost placement, unchanged base first): chr14-102933811-TG-T. GRCh37 (hg19) VCF-style: chr14-103400148-TG-T.
Other names: c.4958del, p.Pro1653fs (NM_001411054.1); short protein forms P1653fs, P1679fs.
Identifiers: ClinVar variation 4538910 (VCV004538910.1).